The following is an entry in ClinVar:

ClinVar aggregate classification (germline): Uncertain significance (1 of 4 stars; one submission).

Conditions:
Aicardi-Goutieres syndrome 6 (AGS6). Identifiers: Orphanet 51, MedGen C3539013, MONDO:0014007, OMIM 615010.
Symmetrical dyschromatosis of extremities (DSH). Also called: RETICULATE ACROPIGMENTATION OF DOHI; Dyschromatosis symmetrica hereditaria; DYSCHROMATOSIS SYMMETRICA HEREDITARIA 1; SYMMETRIC DYSCHROMATOSIS OF THE EXTREMITIES. Identifiers: Orphanet 41, MedGen C0406775, MONDO:0007483, OMIM 127400.

Allele frequency attached by ClinVar (database versions not stated): gnomAD exomes below 0.00001; TOPMed 0.00001.
gnomAD v4.1: 2 of 1,614,044 alleles (0.00012%); highest among the groups gnomAD compares: Non-Finnish European, 0.000085%; no homozygotes.

Submission:

Labcorp Genetics (formerly Invitae), Labcorp
Classification: Uncertain significance for Aicardi-Goutieres syndrome 6; Symmetrical dyschromatosis of extremities. Last evaluated: 2023-06-15. Review status: criteria provided, single submitter. Criteria: Invitae Variant Classification Sherloc (09022015). Collection method: clinical testing. Allele origin: germline.
Comment: This variant has not been reported in the literature in individuals affected with ADAR-related conditions. This sequence change replaces arginine, which is basic and polar, with histidine, which is basic and polar, at codon 801 of the ADAR protein (p.Arg801His). This variant is not present in population databases (gnomAD no frequency). ClinVar contains an entry for this variant (Variation ID: 1411928). Advanced modeling of protein sequence and biophysical properties (such as structural, functional, and spatial information, amino acid conservation, physicochemical variation, residue mobility, and thermodynamic stability) performed at Invitae indicates that this missense variant is not expected to disrupt ADAR protein function. In summary, the available evidence is currently insufficient to determine the role of this variant in disease. Therefore, it has been classified as a Variant of Uncertain Significance.

NM_001111.5(ADAR):c.2402G>A (p.Arg801His)

Gene: ADAR (adenosine deaminase RNA specific; minus strand). Cytogenetic location: 1q21.3.
Variant type: single nucleotide variant.
Coding change: c.2402G>A on transcript NM_001111.5 (MANE Select); coding-DNA position 2402, G replaced by A.
Protein change: p.Arg801His; replaces arginine 801 with histidine.
Molecular consequence: missense variant.
Genome position (GRCh38, 1-based): chr1:154,590,278, C>T on the plus strand (G>A on the coding strand, the complement: ADAR is on the minus strand). VCF-style: chr1-154590278-C-T. GRCh37 (hg19) VCF-style: chr1-154562754-C-T.
Other names: c.1517G>A, p.Arg506His (NM_001025107.3, NM_001193495.2, NM_001365046.1 and 3 more transcripts); c.2429G>A, p.Arg810His (NM_001365045.1); c.2402G>A, p.Arg801His (NM_015840.4); c.2345G>A, p.Arg782His (NM_015841.4); short protein forms R782H, R810H, R506H, R801H.
Identifiers: ClinVar variation 1411928 (VCV001411928.8), dbSNP rs1697057369, ClinGen allele CA342637328.